The following is an entry in ClinVar:

NM_138711.6(PPARG):c.530-9C>T

Genes: PPARG (peroxisome proliferator activated receptor gamma; plus strand), LOC114803475 (PPARG eExon liver enhancer; plus strand). Cytogenetic location: 3p25.2.
Variant type: single nucleotide variant.
Coding change: c.530-9C>T on transcript NM_138711.6 (MANE Select); 9 bases into the intron before coding-DNA position 530, C replaced by T.
Molecular consequence: intron variant.
Genome position (GRCh38, 1-based): chr3:12,405,873, C>T. VCF-style: chr3-12405873-C-T. GRCh37 (hg19) VCF-style: chr3-12447372-C-T.
Other names: c.530-9C>T (NM_001354666.3, NM_138712.5, NM_005037.7 and 6 more transcripts); c.103-10831C>T (NM_001354669.2); c.536-9C>T (NM_001374266.1, NM_001354670.2); c.620-9C>T (NM_015869.5, NM_001374265.1, NM_001354668.2).
Identifiers: ClinVar variation 3350744 (VCV003350744.1).

ClinVar aggregate classification (germline): Likely benign (0 of 4 stars; one submission).

Conditions:
PPARG-related disorder. Also called: PPARG-related disorders; PPARG-related condition.

gnomAD v4.1: 22 of 1,612,154 alleles (0.0014%); highest among the groups gnomAD compares: Non-Finnish European, 0.0018%; no homozygotes.

Submission:

PreventionGenetics, part of Exact Sciences
Classification: Likely benign for PPARG-related condition. Last evaluated: 2021-08-25. Review status: no assertion criteria provided. Collection method: clinical testing. Allele origin: germline.
Comment: This variant is classified as likely benign based on ACMG/AMP sequence variant interpretation guidelines (Richards et al. 2015 PMID: 25741868, with internal and published modifications).